The following is an entry in ClinVar:

ClinVar aggregate classification (germline): Uncertain significance (0 of 4 stars; one submission).

Conditions:
WDPCP-related disorder. Also called: WDPCP-related condition.

gnomAD v4.1: 1 of 1,612,684 alleles (0.000062%); highest among the groups gnomAD compares: Non-Finnish European, 0.000085%; no homozygotes.

Submission:

PreventionGenetics, part of Exact Sciences
Classification: Uncertain significance for WDPCP-related condition. Last evaluated: 2024-09-04. Review status: no assertion criteria provided. Collection method: clinical testing. Allele origin: germline.
Comment: The WDPCP c.283A>G variant is predicted to result in the amino acid substitution p.Arg95Gly. To our knowledge, this variant has not been reported in the literature or in a large population database, indicating this variant is rare. At this time, the clinical significance of this variant is uncertain due to the absence of conclusive functional and genetic evidence.

NM_015910.7(WDPCP):c.283A>G (p.Arg95Gly)

Gene: WDPCP (WD repeat containing planar cell polarity effector; minus strand). Cytogenetic location: 2p15.
Variant type: single nucleotide variant.
Coding change: c.283A>G on transcript NM_015910.7 (MANE Select); coding-DNA position 283, A replaced by G.
Protein change: p.Arg95Gly; replaces arginine 95 with glycine.
Molecular consequence: missense variant. On other transcripts: non-coding transcript variant (2).
Genome position (GRCh38, 1-based): chr2:63,484,958, T>C on the plus strand (A>G on the coding strand, the complement: WDPCP is on the minus strand). VCF-style: chr2-63484958-T-C. GRCh37 (hg19) VCF-style: chr2-63712092-T-C.
Other names: c.211A>G, p.Arg71Gly (NM_001354044.2); c.283A>G, p.Arg95Gly (NM_001354045.2); short protein forms R71G, R95G.
Identifiers: ClinVar variation 3349989 (VCV003349989.1).